The following is an entry in ClinVar:

ClinVar aggregate classification (germline): Uncertain significance (1 of 4 stars; one submission).

Conditions:
Peroxisome biogenesis disorder 7A (Zellweger). Also called: Peroxisome biogenesis disorder 7A. Identifiers: Orphanet 912, MedGen C3888385, MONDO:0013938, OMIM 614872.
Peroxisome biogenesis disorder 7B (PBD7B). Identifiers: Orphanet 44, MedGen C3553951, MONDO:0013939, OMIM 614873.

Allele frequency attached by ClinVar (database versions not stated): TOPMed below 0.00001; gnomAD 0.00002.
gnomAD v4.1: 14 of 1,613,972 alleles (0.00087%); highest among the groups gnomAD compares: Non-Finnish European, 0.0012%; no homozygotes.

Submission:

Labcorp Genetics (formerly Invitae), Labcorp
Classification: Uncertain significance for Peroxisome biogenesis disorder 7A (Zellweger); Peroxisome biogenesis disorder 7B. Last evaluated: 2022-07-19. Review status: criteria provided, single submitter. Criteria: Invitae Variant Classification Sherloc (09022015). Collection method: clinical testing. Allele origin: germline.
Comment: ClinVar contains an entry for this variant (Variation ID: 1470560). This sequence change replaces glycine, which is neutral and non-polar, with serine, which is neutral and polar, at codon 183 of the PEX26 protein (p.Gly183Ser). This variant is not present in population databases (gnomAD no frequency). This variant has not been reported in the literature in individuals affected with PEX26-related conditions. Algorithms developed to predict the effect of missense changes on protein structure and function output the following: SIFT: "Tolerated"; PolyPhen-2: "Benign"; Align-GVGD: "Class C0". The serine amino acid residue is found in multiple mammalian species, which suggests that this missense change does not adversely affect protein function. Algorithms developed to predict the effect of sequence changes on RNA splicing suggest that this variant may create or strengthen a splice site. In summary, the available evidence is currently insufficient to determine the role of this variant in disease. Therefore, it has been classified as a Variant of Uncertain Significance.

NM_001127649.3(PEX26):c.547G>A (p.Gly183Ser)

Gene: PEX26 (peroxisomal biogenesis factor 26; plus strand). Cytogenetic location: 22q11.21.
Variant type: single nucleotide variant.
Coding change: c.547G>A on transcript NM_001127649.3 (MANE Select); coding-DNA position 547, G replaced by A.
Protein change: p.Gly183Ser; replaces glycine 183 with serine.
Molecular consequence: missense variant.
Genome position (GRCh38, 1-based): chr22:18,083,612, G>A. VCF-style: chr22-18083612-G-A. GRCh37 (hg19) VCF-style: chr22-18566378-G-A.
Other names: c.547G>A, p.Gly183Ser (NM_001199319.2, NM_017929.6); short protein forms G183S.
Identifiers: ClinVar variation 1470560 (VCV001470560.8), dbSNP rs535045097, ClinGen allele CA321288668.